The following is an entry in ClinVar:

NM_002907.4(RECQL):c.1627_1629del (p.Glu543del)

Gene: RECQL (RecQ like helicase; minus strand). Cytogenetic location: 12p12.1.
Variant type: Deletion.
Coding change: c.1627_1629del on transcript NM_002907.4 (MANE Select); coding-DNA positions 1627 to 1629, 3 bases deleted (GAG; older notation c.1627_1629delGAG).
Protein change: p.Glu543del; deletes glutamic acid 543.
Molecular consequence: inframe deletion.
Genome position (GRCh38, 1-based): chr12:21,471,466-21,471,468, CTC deleted on the plus strand (GAG on the coding strand, the reverse complement: RECQL is on the minus strand); deleting any 3 consecutive bases within chr12:21,471,466-21,471,469 gives the same sequence; the c. name uses the placement nearest the transcript's 3' end. VCF-style (leftmost placement, unchanged base first): chr12-21471465-TCTC-T. GRCh37 (hg19) VCF-style: chr12-21624399-TCTC-T.
Other names: c.1627_1629del, p.Glu543del (NM_032941.3); short protein forms E543del.
Identifiers: ClinVar variation 1776712 (VCV001776712.3), dbSNP rs771530145, ClinGen allele CA6478707.

ClinVar aggregate classification (germline): Uncertain significance. Review status: criteria provided, multiple submitters, no conflicts (2 of 4 stars). 2 submissions from 2 submitters: Uncertain significance (2). Last evaluated 2025-05-18.

Submissions (2):

Labcorp Genetics (formerly Invitae), Labcorp
Classification: Uncertain significance. Last evaluated: 2025-05-18. Review status: criteria provided, single submitter. Criteria: Invitae Variant Classification Sherloc (09022015). Collection method: clinical testing. Allele origin: germline.
Comment: This variant, c.1627_1629del, results in the deletion of 1 amino acid(s) of the RECQL protein (p.Glu543del), but otherwise preserves the integrity of the reading frame. This variant is present in population databases (rs771530145, gnomAD 0.0009%). This variant has not been reported in the literature in individuals affected with RECQL-related conditions. ClinVar contains an entry for this variant (Variation ID: 1776712). Experimental studies and prediction algorithms are not available or were not evaluated, and the functional significance of this variant is currently unknown. In summary, the available evidence is currently insufficient to determine the role of this variant in disease. Therefore, it has been classified as a Variant of Uncertain Significance.

Ambry Genetics
Classification: Uncertain significance. Last evaluated: 2021-05-17. Review status: criteria provided, single submitter. Criteria: Ambry Variant Classification Scheme 2023. Collection method: clinical testing. Allele origin: germline.
Comment: The c.1627_1629delGAG variant (also known as p.E543del) is located in coding exon 12 of the RECQL gene. This variant results from an in-frame GAG deletion at nucleotide positions 1627 to 1629. This results in the in-frame deletion of a glutamic acid at codon 543. This amino acid position is highly conserved in available vertebrate species. In addition, this alteration is predicted to be deleterious by in silico analysis (Choi Y et al. PLoS ONE. 2012; 7(10):e46688). Since supporting evidence is limited at this time, the clinical significance of this alteration remains unclear.